The following is an entry in ClinVar:

ClinVar aggregate classification (germline): Uncertain significance. Review status: criteria provided, multiple submitters, no conflicts (2 of 4 stars). 7 submissions from 7 submitters: Uncertain significance (7). Last evaluated 2026-10-22.

Conditions:
Multiple mitochondrial dysfunctions syndrome 3 (MMDS3). Identifiers: Orphanet 363424, MedGen C3809165, MONDO:0014132, OMIM 615330.
Inborn genetic diseases. Identifiers: MedGen C0950123, MeSH D030342.
Hereditary spastic paraplegia 74. Also called: Spastic paraplegia 74, autosomal recessive. Identifiers: Orphanet 468661, MedGen C5568837, MONDO:0014644, OMIM 616451.

Allele frequency attached by ClinVar (database versions not stated): TOPMed 0.00038; 1000 Genomes Project 30x 0.00047; gnomAD 0.00035 and 0.00034; gnomAD exomes 0.00034; ExAC 0.00036; 1000 Genomes Project 0.00040; ESP Exome Variant Server 0.00062.
gnomAD v4.1: 1,048 of 1,593,642 alleles (0.066%); highest among the groups gnomAD compares: Non-Finnish European, 0.085%; 1 homozygote.

Submissions (7):

GeneDx
Classification: Uncertain significance. Last evaluated: 2026-10-22. Review status: criteria provided, single submitter. Criteria: GeneDx Variant Classification Process June 2021. Collection method: clinical testing. Allele origin: germline.
Comment: In silico analysis suggests that this missense variant does not alter protein structure/function; Has not been previously published as pathogenic or benign to our knowledge

Mayo Clinic Laboratories, Mayo Clinic
Classification: Uncertain significance. Last evaluated: 2025-08-07. Review status: criteria provided, single submitter. Criteria: ACMG Guidelines, 2015. Collection method: clinical testing. Allele origin: germline. Observed: 2 variant alleles.
Comment: BP4_moderate

Blueprint Genetics
Classification: Uncertain significance. Last evaluated: 2024-11-25. Review status: criteria provided, single submitter. Criteria: ACMG Guidelines, 2015. Collection method: clinical testing. Allele origin: germline.

Labcorp Genetics (formerly Invitae), Labcorp
Classification: Uncertain significance for Multiple mitochondrial dysfunctions syndrome 3; Hereditary spastic paraplegia 74. Last evaluated: 2024-01-15. Review status: criteria provided, single submitter. Criteria: Invitae Variant Classification Sherloc (09022015). Collection method: clinical testing. Allele origin: germline.
Comment: This sequence change replaces alanine, which is neutral and non-polar, with threonine, which is neutral and polar, at codon 192 of the IBA57 protein (p.Ala192Thr). This variant is present in population databases (rs140163897, gnomAD 0.06%). This variant has not been reported in the literature in individuals affected with IBA57-related conditions. ClinVar contains an entry for this variant (Variation ID: 1037759). Advanced modeling of protein sequence and biophysical properties (such as structural, functional, and spatial information, amino acid conservation, physicochemical variation, residue mobility, and thermodynamic stability) performed at Invitae indicates that this missense variant is not expected to disrupt IBA57 protein function with a negative predictive value of 80%. In summary, the available evidence is currently insufficient to determine the role of this variant in disease. Therefore, it has been classified as a Variant of Uncertain Significance.

Molecular Genetics, Royal Melbourne Hospital
Classification: Uncertain significance for Multiple mitochondrial dysfunctions syndrome 3. Last evaluated: 2022-04-05. Review status: criteria provided, single submitter. Criteria: ACMG Guidelines, 2015. Collection method: clinical testing. Allele origin: germline.
Comment: This sequence change in IBA57 is predicted to replace alanine with threonine at codon 192, p.(Ala192Thr). The alanine residue is weakly conserved (100 vertebrates, UCSC), and is not located in an annotated functional domain. There is a small physicochemical difference between alanine and threonine. The highest population minor allele frequency in gnomAD v2.1 is 0.07% (79/120,650 alleles, 0 homozygotes) in the European (non-Finnish) population. To our knowledge, this variant has not been reported in the literature in any individuals with neurological conditions, and has been reported as a variant of uncertain significance (ClinVar ID: 1037759). Multiple lines of computational evidence have conflicting predictions for the missense substitution (5/6 algorithms predict benign). Based on the classification scheme RMH Modified ACMG Guidelines v1.4.0, this variant is classified as a VARIANT OF UNCERTAIN SIGNIFICANCE. Following criteria are met: none.

Fulgent Genetics
Classification: Uncertain significance for Multiple mitochondrial dysfunctions syndrome 3; Hereditary spastic paraplegia 74. Last evaluated: 2022-01-28. Review status: criteria provided, single submitter. Criteria: ACMG Guidelines, 2015. Collection method: clinical testing. Allele origin: unknown.

Ambry Genetics
Classification: Uncertain significance for Inborn genetic diseases. Last evaluated: 2021-07-09. Review status: criteria provided, single submitter. Criteria: Ambry Variant Classification Scheme 2023. Collection method: clinical testing. Allele origin: germline.

NM_001010867.4(IBA57):c.574G>A (p.Ala192Thr)

Gene: IBA57 (iron-sulfur cluster assembly factor IBA57; plus strand). Cytogenetic location: 1q42.13.
Variant type: single nucleotide variant.
Coding change: c.574G>A on transcript NM_001010867.4 (MANE Select); coding-DNA position 574, G replaced by A.
Protein change: p.Ala192Thr; replaces alanine 192 with threonine.
Molecular consequence: missense variant. On other transcripts: 5 prime UTR variant (1).
Genome position (GRCh38, 1-based): chr1:228,174,924, G>A. VCF-style: chr1-228174924-G-A. GRCh37 (hg19) VCF-style: chr1-228362625-G-A.
Other names: p.Ala192Thr; c.-6G>A (NM_001310327.2); c.574G>A (NM_001010867.2); short protein forms A192T.
Identifiers: ClinVar variation 1037759 (VCV001037759.13), dbSNP rs140163897, ClinGen allele CA1431185.